The following is an entry in ClinVar:

ClinVar aggregate classification (germline): Uncertain significance (1 of 4 stars; one submission).

Conditions:
Long QT syndrome (LQTS). Identifiers: MedGen C0023976, MeSH D008133, MONDO:0002442. Disease mechanism: loss of function. Inheritance: Various modes of inheritance.

Submission:

Labcorp Genetics (formerly Invitae), Labcorp
Classification: Uncertain significance for Long QT syndrome. Last evaluated: 2025-06-15. Review status: criteria provided, single submitter. Criteria: Invitae Variant Classification Sherloc (09022015). Collection method: clinical testing. Allele origin: germline.
Comment: This sequence change replaces lysine, which is basic and polar, with methionine, which is neutral and non-polar, at codon 1767 of the ANK2 protein (p.Lys1767Met). This variant is present in population databases (no rsID available, gnomAD 0.006%). This variant has not been reported in the literature in individuals affected with ANK2-related conditions. An algorithm developed to predict the effect of missense changes on protein structure and function (PolyPhen-2) suggests that this variant is likely to be disruptive. In summary, the available evidence is currently insufficient to determine the role of this variant in disease. Therefore, it has been classified as a Variant of Uncertain Significance.

NM_001148.6(ANK2):c.5300A>T (p.Lys1767Met)

Genes: ANK2 (ankyrin 2; plus strand), LOC126807136 (MED14-independent group 3 enhancer GRCh37_chr4:114274931-114276130; plus strand). Cytogenetic location: 4q26.
Variant type: single nucleotide variant.
Coding change: c.5300A>T on transcript NM_001148.6 (MANE Select); coding-DNA position 5300, A replaced by T.
Protein change: p.Lys1767Met; replaces lysine 1767 with methionine.
Molecular consequence: missense variant. On other transcripts: intron variant (68).
Genome position (GRCh38, 1-based): chr4:113,353,918, A>T. VCF-style: chr4-113353918-A-T. GRCh37 (hg19) VCF-style: chr4-114275074-A-T.
Other names: c.5066A>T, p.Lys1689Met (NM_001386142.1); c.1700A>T, p.Lys567Met (NM_001386166.1); c.5441A>T, p.Lys1814Met (NM_001386174.1); c.5417A>T, p.Lys1806Met (NM_001386175.1); c.4411+3669A>T (NM_001386186.2, NM_001386148.2); c.4213+3669A>T (NM_001354269.3); c.4291+3669A>T (NM_001386187.2); c.4252+3669A>T (NM_001386147.1); and 35 more; short protein forms K1767M, K1806M, K1689M, K1814M, K567M.
Identifiers: ClinVar variation 4711439 (VCV004711439.1).